The following is an entry in ClinVar:

ClinVar aggregate classification (germline): Benign. Review status: criteria provided, multiple submitters, no conflicts (2 of 4 stars). 3 submissions from 3 submitters: Benign (2). 1 of the submissions does not count toward it. Last evaluated 2026-02-01.

Conditions:
FBN3-related disorder. Also called: FBN3-related condition.

Allele frequency attached by ClinVar (database versions not stated): gnomAD exomes 0.00054 and 0.00146; ExAC 0.00190; gnomAD 0.00517 and 0.00555; TOPMed 0.00620; ESP Exome Variant Server 0.00630; 1000 Genomes Project 0.00639; 1000 Genomes Project 30x 0.00671.
gnomAD v4.1: 1,601 of 1,613,950 alleles (0.099%); highest among the groups gnomAD compares: African/African-American, 1.9%; 23 homozygotes.

Submissions (3):

Labcorp Genetics (formerly Invitae), Labcorp
Classification: Benign. Last evaluated: 2026-02-01. Review status: criteria provided, single submitter. Criteria: Invitae Variant Classification Sherloc (09022015). Collection method: clinical testing. Allele origin: germline.

Breakthrough Genomics
Classification: Benign. Review status: criteria provided, single submitter. Criteria: ACMG Guidelines, 2015. Collection method: not provided. Allele origin: germline. Inheritance: Unknown mechanism. Affected: yes.

PreventionGenetics, part of Exact Sciences
Classification: Benign for FBN3-related condition. Last evaluated: 2019-05-02. Review status: no assertion criteria provided. Collection method: clinical testing. Allele origin: germline. Not counted in ClinVar's aggregate classification.
Comment: This variant is classified as benign based on ACMG/AMP sequence variant interpretation guidelines (Richards et al. 2015 PMID: 25741868, with internal and published modifications).

NM_032447.5(FBN3):c.5816C>A (p.Thr1939Asn)

Gene: FBN3 (fibrillin 3; minus strand). Cytogenetic location: 19p13.2.
Variant type: single nucleotide variant.
Coding change: c.5816C>A on transcript NM_032447.5 (MANE Select); coding-DNA position 5816, C replaced by A.
Protein change: p.Thr1939Asn; replaces threonine 1939 with asparagine.
Molecular consequence: missense variant.
Genome position (GRCh38, 1-based): chr19:8,094,535, G>T on the plus strand (C>A on the coding strand, the complement: FBN3 is on the minus strand). VCF-style: chr19-8094535-G-T. GRCh37 (hg19) VCF-style: chr19-8159419-G-T.
Other names: c.5816C>A, p.Thr1939Asn (NM_001321431.2); c.5816C>A (NM_001321431.1); short protein forms T1939N.
Identifiers: ClinVar variation 719825 (VCV000719825.12), dbSNP rs7245558, ClinGen allele CA9151527.
Genomic context (GRCh38, chr19:8,094,535, plus strand): 5'-CCAGGGGGACAGATGCAGCGGAAGGAGCCCTCGAGGTTCTGGCAAGTGCCGGGTAGGCAG[G>T]TTCCTGCAAGGCTGAGGCACTCATTGGTGTCTGTGAAAAGGAGGAAGAAAGGTCCTTGTG-3'
Protein context (NP_115823.3, residues 1929-1949): DTNECLSLAG[Thr1939Asn]CLPGTCQNLE